The following is an entry in ClinVar:

NM_022081.6(HPS4):c.751_757delinsTCCAAA (p.Thr251fs)

Gene: HPS4 (HPS4 biogenesis of lysosomal organelles complex 3 subunit 2; minus strand). Cytogenetic location: 22q12.1.
Variant type: Indel.
Coding change: c.751_757delinsTCCAAA on transcript NM_022081.6 (MANE Select); coding-DNA positions 751 to 757, ACCAAAG replaced by TCCAAA.
Protein change: p.Thr251fs; shifts the reading frame from threonine 251.
Molecular consequence: frameshift variant. On other transcripts: non-coding transcript variant (8).
Genome position (GRCh38, 1-based): chr22:26,465,501-26,465,507, CTTTGGT replaced by TTTGGA on the plus strand (ACCAAAG replaced by TCCAAA on the coding strand, the reverse complement: HPS4 is on the minus strand). VCF-style: chr22-26465501-CTTTGGT-TTTGGA. GRCh37 (hg19) VCF-style: chr22-26861467-CTTTGGT-TTTGGA.
Other names: c.751_757delinsTCCAAA, p.Thr251fs (NM_001349896.1, NM_001349898.2, NM_001349899.2 and 5 more transcripts); c.805_811delinsTCCAAA, p.Thr269fs (NM_001349900.2, NM_001349901.1); c.751_757delACCAAAGinsTCCAAA, p.Thr251Serfs (NM_022081.5); c.736_742delinsTCCAAA, p.Thr246fs (NM_152841.2); short protein forms T251fs, T269fs, T246fs.
Identifiers: ClinVar variation 4993114 (VCV004993114.1).

ClinVar aggregate classification (germline): Likely pathogenic (1 of 4 stars; one submission).

Conditions:
HPS4-related disorder. Also called: HPS4-related condition.

Submission:

PreventionGenetics, part of Exact Sciences
Classification: Likely pathogenic for HPS4-related condition. Last evaluated: 2025-12-02. Review status: criteria provided, single submitter. Criteria: ACMG Guidelines, 2015. Collection method: clinical testing. Allele origin: germline.
Comment: The HPS4 c.751_757delinsTCCAAA variant is predicted to result in a frameshift and premature protein termination (p.Thr251Serfs*16). To our knowledge, this variant has not been reported in the literature or in a large population database (gnomAD), indicating this variant is rare. Frameshift variants in HPS4 are expected to be pathogenic. This variant is interpreted as likely pathogenic.